The following is an entry in ClinVar:

ClinVar aggregate classification (germline): Uncertain significance (1 of 4 stars; one submission).

Conditions:
Hereditary cancer-predisposing syndrome. Also called: Hereditary Cancer Syndrome; Hereditary neoplastic syndrome; Neoplastic Syndromes, Hereditary; Tumor predisposition. Identifiers: Orphanet 140162, MedGen C0027672, MeSH D009386, MONDO:0015356.

Submission:

Ambry Genetics
Classification: Uncertain significance for Hereditary cancer-predisposing syndrome. Last evaluated: 2020-12-22. Review status: criteria provided, single submitter. Criteria: Ambry Variant Classification Scheme 2023. Collection method: clinical testing. Allele origin: germline.
Comment: The p.D1521V variant (also known as c.4562A>T), located in coding exon 22 of the DICER1 gene, results from an A to T substitution at nucleotide position 4562. The aspartic acid at codon 1521 is replaced by valine, an amino acid with highly dissimilar properties. This amino acid position is highly conserved in available vertebrate species. In addition, this alteration is predicted to be deleterious by in silico analysis. Since supporting evidence is limited at this time, the clinical significance of this alteration remains unclear.

NM_177438.3(DICER1):c.4562A>T (p.Asp1521Val)

Gene: DICER1 (dicer 1, ribonuclease III; minus strand). Cytogenetic location: 14q32.13.
Variant type: single nucleotide variant.
Coding change: c.4562A>T on transcript NM_177438.3 (MANE Select); coding-DNA position 4562, A replaced by T.
Protein change: p.Asp1521Val; replaces aspartic acid 1521 with valine.
Molecular consequence: missense variant. On other transcripts: non-coding transcript variant (6).
Genome position (GRCh38, 1-based): chr14:95,096,358, T>A on the plus strand (A>T on the coding strand, the complement: DICER1 is on the minus strand). VCF-style: chr14-95096358-T-A. GRCh37 (hg19) VCF-style: chr14-95562695-T-A.
Other names: c.4562A>T, p.Asp1521Val (NM_001195573.1, NM_001271282.3, NM_001291628.2 and 13 more transcripts); c.4280A>T, p.Asp1427Val (NM_001395686.1); c.4157A>T, p.Asp1386Val (NM_001395687.1, NM_001395688.1, NM_001395689.1 and 2 more transcripts); c.3995A>T, p.Asp1332Val (NM_001395691.1); c.2879A>T, p.Asp960Val (NM_001395697.1); short protein forms D1332V, D1386V, D1521V, D960V, D1427V.
Identifiers: ClinVar variation 1741500 (VCV001741500.2), dbSNP rs1434924094, ClinGen allele CA390867809.